The following is an entry in ClinVar:

ClinVar aggregate classification (germline): Uncertain significance. Review status: criteria provided, multiple submitters, no conflicts (2 of 4 stars). 5 submissions from 5 submitters: Uncertain significance (5). Last evaluated 2026-07-01.

Conditions:
Inborn genetic diseases. Identifiers: MedGen C0950123, MeSH D030342.
Neuropathy, hereditary sensory and autonomic, type 2A (HSAN2A). Also called: NEUROPATHY, CONGENITAL SENSORY; NEUROPATHY, HEREDITARY SENSORY RADICULAR, AUTOSOMAL RECESSIVE; NEUROPATHY, HEREDITARY SENSORY, TYPE IIA; NEUROPATHY, PROGRESSIVE SENSORY, OF CHILDREN; HSAN IIA; WNK1-Related HSAN2 (HSAN2A). Identifiers: Orphanet 970, MedGen C2752089, MONDO:0024309, OMIM 201300.
Generalized epilepsy with febrile seizures plus, type 7 (GEFSP7). Also called: GEFS+, TYPE 7. Identifiers: Orphanet 36387, MedGen C2751778, MONDO:0013470, OMIM 613863.

Allele frequency attached by ClinVar (database versions not stated): gnomAD exomes 0.00002.
gnomAD v4.1: 11 of 1,611,594 alleles (0.00068%); highest among the groups gnomAD compares: Admixed American, 0.0034%; no homozygotes.

Submissions (5):

CeGaT Center for Human Genetics Tuebingen
Classification: Uncertain significance. Last evaluated: 2026-07-01. Review status: criteria provided, single submitter. Criteria: CeGaT Center For Human Genetics Tuebingen Variant Classification Criteria Version 2. Collection method: clinical testing. Allele origin: germline. Affected: yes. Observed: 2 variant alleles.
Comment: SCN9A: PM2, PP3

Ambry Genetics
Classification: Uncertain significance for Inborn genetic diseases. Last evaluated: 2025-12-02. Review status: criteria provided, single submitter. Criteria: Ambry Variant Classification Scheme 2023. Collection method: clinical testing. Allele origin: germline.

Labcorp Genetics (formerly Invitae), Labcorp
Classification: Uncertain significance for Neuropathy, hereditary sensory and autonomic, type 2A; Generalized epilepsy with febrile seizures plus, type 7. Last evaluated: 2025-10-01. Review status: criteria provided, single submitter. Criteria: Invitae Variant Classification Sherloc (09022015). Collection method: clinical testing. Allele origin: germline.
Comment: This sequence change replaces isoleucine, which is neutral and non-polar, with threonine, which is neutral and polar, at codon 785 of the SCN9A protein (p.Ile785Thr). This variant is not present in population databases (gnomAD no frequency). This variant has not been reported in the literature in individuals affected with SCN9A-related conditions. ClinVar contains an entry for this variant (Variation ID: 1062241). Invitae Evidence Modeling of protein sequence and biophysical properties (such as structural, functional, and spatial information, amino acid conservation, physicochemical variation, residue mobility, and thermodynamic stability) indicates that this missense variant is not expected to disrupt SCN9A protein function with a negative predictive value of 80%. In summary, the available evidence is currently insufficient to determine the role of this variant in disease. Therefore, it has been classified as a Variant of Uncertain Significance.

Blueprint Genetics
Classification: Uncertain significance. Last evaluated: 2024-11-20. Review status: criteria provided, single submitter. Criteria: ACMG Guidelines, 2015. Collection method: clinical testing. Allele origin: germline.

GeneDx
Classification: Uncertain significance. Last evaluated: 2021-04-05. Review status: criteria provided, single submitter. Criteria: GeneDx Variant Classification Process June 2021. Collection method: clinical testing. Allele origin: germline. Affected: yes.
Comment: Not observed in large population cohorts (Lek et al., 2016); In silico analysis supports that this missense variant has a deleterious effect on protein structure/function; Has not been previously published as pathogenic or benign to our knowledge

NM_001365536.1(SCN9A):c.2387T>C (p.Ile796Thr)

Genes: SCN9A (sodium voltage-gated channel alpha subunit 9; minus strand), SCN1A-AS1 (SCN1A and SCN9A antisense RNA 1; plus strand). Cytogenetic location: 2q24.3.
Variant type: single nucleotide variant.
Coding change: c.2387T>C on transcript NM_001365536.1 (MANE Select); coding-DNA position 2387, T replaced by C.
Protein change: p.Ile796Thr; replaces isoleucine 796 with threonine.
Molecular consequence: missense variant.
Genome position (GRCh38, 1-based): chr2:166,278,270, A>G on the plus strand (T>C on the coding strand, the complement: SCN9A is on the minus strand). VCF-style: chr2-166278270-A-G. GRCh37 (hg19) VCF-style: chr2-167134780-A-G.
Other names: c.2354T>C, p.Ile785Thr (NM_002977.4); short protein forms I785T, I796T.
Identifiers: ClinVar variation 1062241 (VCV001062241.33), dbSNP rs2106471480, ClinGen allele CA349078449.